The following is an entry in ClinVar:

ClinVar aggregate classification (germline): Benign/Likely benign. Review status: criteria provided, multiple submitters, no conflicts (2 of 4 stars). 3 submissions from 3 submitters: Benign (1); Likely benign (2). Last evaluated 2026-01-18.

Conditions:
Supravalvar aortic stenosis (SVAS). Also called: Supravalvar aortic stenosis, Eisenberg type. Identifiers: Orphanet 3193, MedGen C0003499, MONDO:0008504, OMIM 185500, HP:0004381.
ELN-related disorder.

Allele frequency attached by ClinVar (database versions not stated): gnomAD exomes 0.00007 and 0.00028; 1000 Genomes Project 0.00020; 1000 Genomes Project 30x 0.00031; ExAC 0.00033; gnomAD 0.00091 and 0.00102; TOPMed 0.00091.
gnomAD v4.1: 235 of 1,487,478 alleles (0.016%); highest among the groups gnomAD compares: African/African-American, 0.31%; no homozygotes.

Submissions (3):

Labcorp Genetics (formerly Invitae), Labcorp
Classification: Benign for Supravalvar aortic stenosis. Last evaluated: 2026-01-18. Review status: criteria provided, single submitter. Criteria: Invitae Variant Classification Sherloc (09022015). Collection method: clinical testing. Allele origin: germline.

PreventionGenetics, part of Exact Sciences
Classification: Likely benign for ELN-related condition. Last evaluated: 2025-11-20. Review status: criteria provided, single submitter. Criteria: ACMG Guidelines, 2015. Collection method: clinical testing. Allele origin: germline.
Comment: This variant is classified as likely benign based on ACMG/AMP sequence variant interpretation guidelines (Richards et al. 2015 PMID: 25741868, with internal and published modifications).

GeneDx
Classification: Likely benign. Last evaluated: 2020-12-31. Review status: criteria provided, single submitter. Criteria: GeneDx Variant Classification Process June 2021. Collection method: clinical testing. Allele origin: germline. Affected: yes.

NM_000501.4(ELN):c.1358-268A>G

Gene: ELN (elastin; plus strand). Cytogenetic location: 7q11.23.
Variant type: single nucleotide variant.
Coding change: c.1358-268A>G on transcript NM_000501.4 (MANE Select); 268 bases into the intron before coding-DNA position 1358, A replaced by G.
Molecular consequence: intron variant.
Genome position (GRCh38, 1-based): chr7:74,057,372, A>G. VCF-style: chr7-74057372-A-G. GRCh37 (hg19) VCF-style: chr7-73471702-A-G.
Other names: c.1373-268A>G (NM_001081754.3); c.1372+659A>G (NM_001081753.3); c.1358-10A>G (NM_001278939.2); c.1358-268A>G (NM_001278915.2, NM_001278912.2); c.1357+659A>G (NM_001081755.3); c.1315+659A>G (NM_001278916.2); c.1171+659A>G (NM_001278913.2); c.1342+659A>G (NM_001278914.2); and 3 more.
Identifiers: ClinVar variation 668378 (VCV000668378.14), dbSNP rs374066807, ClinGen allele CA4292971.